The following is an entry in ClinVar:

NM_015015.3(KDM4B):c.1980G>A (p.Trp660Ter)

Gene: KDM4B (lysine demethylase 4B; plus strand). Cytogenetic location: 19p13.3.
Variant type: single nucleotide variant.
Coding change: c.1980G>A on transcript NM_015015.3 (MANE Select); coding-DNA position 1980, G replaced by A.
Protein change: p.Trp660Ter; replaces tryptophan 660 with a stop codon.
Molecular consequence: nonsense.
Genome position (GRCh38, 1-based): chr19:5,133,956, G>A. VCF-style: chr19-5133956-G-A. GRCh37 (hg19) VCF-style: chr19-5133967-G-A.
Other names: c.2082G>A, p.Trp694Ter (NM_001411148.1); short protein forms W660*, W694*.
Identifiers: ClinVar variation 4293019 (VCV004293019.1).

ClinVar aggregate classification (germline): Likely pathogenic (1 of 4 stars; one submission).

Conditions:
Intellectual developmental disorder, autosomal dominant 65. Also called: MENTAL RETARDATION, AUTOSOMAL DOMINANT 65. Identifiers: MedGen C5543371, MONDO:0023657, OMIM 619320.

gnomAD v4.1: 1 of 1,613,002 alleles (0.000062%); highest among the groups gnomAD compares: Non-Finnish European, 0.000085%; no homozygotes.

Submission:

3billion
Classification: Likely pathogenic for Intellectual developmental disorder, autosomal dominant 65. Last evaluated: 2024-06-18. Review status: criteria provided, single submitter. Criteria: ACMG Guidelines, 2015. Collection method: clinical testing. Allele origin: germline. Affected: yes.
Comment: The variant is observed at an extremely low frequency in the gnomAD v4.0.0 dataset (total allele frequency: <0.001%). Predicted Consequence/Location: Stop-gained (nonsense): predicted to result in a loss or disruption of normal protein function through nonsense-mediated decay (NMD) or protein truncation. Multiple pathogenic variants are reported downstream of the variant. Therefore, this variant is classified as Likely pathogenic according to the recommendation of ACMG/AMP guideline.